The following is an entry in ClinVar:

ClinVar aggregate classification (germline): Uncertain significance. Review status: criteria provided, multiple submitters, no conflicts (2 of 4 stars). 2 submissions from 2 submitters: Uncertain significance (2). Last evaluated 2026-01-28.

Conditions:
Melnick-Needles syndrome (MNS). Also called: MELNICK-NEEDLES OSTEODYSPLASTY; OSTEODYSPLASTY OF MELNICK AND NEEDLES; Melnick-Needles Syndrome (FLNA-MNS). Identifiers: Orphanet 2484, MedGen C0025237, MONDO:0010650, OMIM 309350.
Frontometaphyseal dysplasia (FMD1). Identifiers: MONDO:0015942, Orphanet 1826, MedGen C0265293.
Oto-palato-digital syndrome, type II (OPD2). Also called: Otopalatodigital Syndrome, Type II; FACIOPALATOOSSEOUS SYNDROME; OPD II SYNDROME; Otopalatodigital Syndrome Type 2 (FLNA-OPD2). Identifiers: Orphanet 669, Orphanet 90652, MedGen C1844696, MONDO:0010571, OMIM 304120.
Heterotopia, periventricular, X-linked dominant (PVNH1). Also called: X-linked periventricular heterotopia; PERIVENTRICULAR NODULAR HETEROTOPIA 4; HETEROTOPIA, PERIVENTRICULAR, 1; PERIVENTRICULAR NODULAR HETEROTOPIA 1. Identifiers: Orphanet 2149, Orphanet 82004, MedGen C1848213, MONDO:0010233, OMIM 300049.

Allele frequency attached by ClinVar (database versions not stated): gnomAD exomes below 0.00001; TOPMed below 0.00001.
gnomAD v4.1: 3 of 1,211,794 alleles (0.00025%); highest among the groups gnomAD compares: Non-Finnish European, 0.00022%; no homozygotes.

Submissions (2):

Labcorp Genetics (formerly Invitae), Labcorp
Classification: Uncertain significance for Oto-palato-digital syndrome, type II; Heterotopia, periventricular, X-linked dominant; Frontometaphyseal dysplasia; Melnick-Needles syndrome. Last evaluated: 2026-01-28. Review status: criteria provided, single submitter. Criteria: Invitae Variant Classification Sherloc (09022015). Collection method: clinical testing. Allele origin: germline.
Comment: This sequence change replaces histidine, which is basic and polar, with tyrosine, which is neutral and polar, at codon 1859 of the FLNA protein (p.His1859Tyr). This variant is not present in population databases (gnomAD no frequency). This variant has not been reported in the literature in individuals affected with FLNA-related conditions. ClinVar contains an entry for this variant (Variation ID: 1308495). Invitae Evidence Modeling of protein sequence and biophysical properties (such as structural, functional, and spatial information, amino acid conservation, physicochemical variation, residue mobility, and thermodynamic stability) indicates that this missense variant is not expected to disrupt FLNA protein function with a negative predictive value of 95%. In summary, the available evidence is currently insufficient to determine the role of this variant in disease. Therefore, it has been classified as a Variant of Uncertain Significance.

GeneDx
Classification: Uncertain significance. Last evaluated: 2019-04-04. Review status: criteria provided, single submitter. Criteria: GeneDx Variant Classification Process June 2021. Collection method: clinical testing. Allele origin: germline. Affected: yes.
Comment: Has not been previously published as pathogenic or benign to our knowledge; Not observed in large population cohorts (Lek et al., 2016); In silico analysis, which includes protein predictors and evolutionary conservation, supports a deleterious effect

NM_001110556.2(FLNA):c.5599C>T (p.His1867Tyr)

Gene: FLNA (filamin A; minus strand). Cytogenetic location: Xq28.
Variant type: single nucleotide variant.
Coding change: c.5599C>T on transcript NM_001110556.2 (MANE Select); coding-DNA position 5599, C replaced by T.
Protein change: p.His1867Tyr; replaces histidine 1867 with tyrosine.
Molecular consequence: missense variant.
Genome position (GRCh38, 1-based): chrX:154,354,002, G>A on the plus strand (C>T on the coding strand, the complement: FLNA is on the minus strand). VCF-style: chrX-154354002-G-A. GRCh37 (hg19) VCF-style: chrX-153582370-G-A.
Other names: c.5575C>T, p.His1859Tyr (NM_001456.4); short protein forms H1859Y, H1867Y.
Identifiers: ClinVar variation 1308495 (VCV001308495.5), dbSNP rs2067643018, ClinGen allele CA415200878.